The following is an entry in ClinVar:

ClinVar aggregate classification (germline): Uncertain significance (1 of 4 stars; one submission).

Submission:

Dasa
Classification: Uncertain significance. Last evaluated: 2026-07-08. Review status: criteria provided, single submitter. Criteria: DASA Assertion Criteria. Collection method: clinical testing. Allele origin: germline.
Comment: NM_001114753.3(ENG):c.653C>A (p.Ala218Glu) is a missense variant that results in the substitution of alanine with glutamic acid. This variant is rare in population databases. The currently available literature and clinical evidence are not sufficient to establish a definitive association between this variant and the reported condition. Therefore, this variant is classified as a variant of uncertain significance.

NM_001114753.3(ENG):c.653C>A (p.Ala218Glu)

Gene: ENG (endoglin; minus strand). Cytogenetic location: 9q34.11.
Variant type: single nucleotide variant.
Coding change: c.653C>A on transcript NM_001114753.3 (MANE Select); coding-DNA position 653, C replaced by A.
Protein change: p.Ala218Glu; replaces alanine 218 with glutamic acid.
Molecular consequence: missense variant.
Genome position (GRCh38, 1-based): chr9:127,825,731, G>T on the plus strand (C>A on the coding strand, the complement: ENG is on the minus strand). VCF-style: chr9-127825731-G-T. GRCh37 (hg19) VCF-style: chr9-130588010-G-T.
Other names: c.653C>A, p.Ala218Glu (NM_000118.4, NM_001406715.1); c.107C>A, p.Ala36Glu (NM_001278138.2); short protein forms A218E, A36E.
Identifiers: ClinVar variation 5020220 (VCV005020220.1).
Genomic context (GRCh38, chr9:127,825,731, plus strand): 5'-TCAGGGGCGGGGCGAGAGCCATACCCGGCCGAGTGGCCCGGCAGGACCCTCAGGATGTGC[G>T]CCTCCTTGTGGCCGGCCACGCCTTCCAAGTGGCAGCCCCGGACCAAGGCTGGAGTACGCG-3'
Protein context (NP_001108225.1, residues 208-228): HLEGVAGHKE[Ala218Glu]HILRVLPGHS